The following is an entry in ClinVar:

ClinVar aggregate classification (germline): Uncertain significance (1 of 4 stars; one submission).

Conditions:
Primary ciliary dyskinesia. Also called: Ciliary dyskinesia. Identifiers: Orphanet 244, MedGen C0008780, MONDO:0016575, HP:0012265.

Submission:

Labcorp Genetics (formerly Invitae), Labcorp
Classification: Uncertain significance for Primary ciliary dyskinesia. Last evaluated: 2022-08-16. Review status: criteria provided, single submitter. Criteria: Invitae Variant Classification Sherloc (09022015). Collection method: clinical testing. Allele origin: germline.
Comment: In summary, the available evidence is currently insufficient to determine the role of this variant in disease. Therefore, it has been classified as a Variant of Uncertain Significance. Experimental studies and prediction algorithms are not available or were not evaluated, and the functional significance of this variant is currently unknown. This variant has not been reported in the literature in individuals affected with RPGR (ORF15)-related conditions. This variant is not present in population databases (gnomAD no frequency). This sequence change replaces glycine, which is neutral and non-polar, with arginine, which is basic and polar, at codon 972 of the RPGR (ORF15) protein (p.Gly972Arg).

NM_001034853.2(RPGR):c.2914G>A (p.Gly972Arg)

Gene: RPGR (retinitis pigmentosa GTPase regulator; minus strand). Cytogenetic location: Xp11.4.
Variant type: single nucleotide variant.
Coding change: c.2914G>A on transcript NM_001034853.2 (MANE Select); coding-DNA position 2914, G replaced by A.
Protein change: p.Gly972Arg; replaces glycine 972 with arginine.
Molecular consequence: missense variant. On other transcripts: intron variant (8).
Genome position (GRCh38, 1-based): chrX:38,286,085, C>T on the plus strand (G>A on the coding strand, the complement: RPGR is on the minus strand). VCF-style: chrX-38286085-C-T. GRCh37 (hg19) VCF-style: chrX-38145338-C-T.
Other names: c.1569+4874G>A (NM_001367249.1, NM_001367250.1); c.1902+1009G>A (NM_001367245.1); c.1386+4874G>A (NM_001367251.1); c.1719+1009G>A (NM_001367246.1); c.1572+4874G>A (NM_001367247.1); c.1905+1009G>A (NM_000328.3); c.1602+4874G>A (NM_001367248.1); short protein forms G972R.
Identifiers: ClinVar variation 2031682 (VCV002031682.4), dbSNP rs2519785162, ClinGen allele CA412729467.